The following is an entry in ClinVar:

ClinVar aggregate classification (germline): Uncertain significance (1 of 4 stars; one submission).

Submission:

Labcorp Genetics (formerly Invitae), Labcorp
Classification: Uncertain significance. Last evaluated: 2024-01-17. Review status: criteria provided, single submitter. Criteria: Invitae Variant Classification Sherloc (09022015). Collection method: clinical testing. Allele origin: germline.
Comment: This sequence change replaces lysine, which is basic and polar, with asparagine, which is neutral and polar, at codon 1577 of the PCNT protein (p.Lys1577Asn). This variant is not present in population databases (gnomAD no frequency). This variant has not been reported in the literature in individuals affected with PCNT-related conditions. ClinVar contains an entry for this variant (Variation ID: 2066750). An algorithm developed to predict the effect of missense changes on protein structure and function (PolyPhen-2) suggests that this variant is likely to be tolerated. In summary, the available evidence is currently insufficient to determine the role of this variant in disease. Therefore, it has been classified as a Variant of Uncertain Significance.

NM_006031.6(PCNT):c.4731A>T (p.Lys1577Asn)

Gene: PCNT (pericentrin; plus strand). Cytogenetic location: 21q22.3.
Variant type: single nucleotide variant.
Coding change: c.4731A>T on transcript NM_006031.6 (MANE Select); coding-DNA position 4731, A replaced by T.
Protein change: p.Lys1577Asn; replaces lysine 1577 with asparagine.
Molecular consequence: missense variant.
Genome position (GRCh38, 1-based): chr21:46,399,736, A>T. VCF-style: chr21-46399736-A-T. GRCh37 (hg19) VCF-style: chr21-47819650-A-T.
Other names: c.4377A>T, p.Lys1459Asn (NM_001315529.2); short protein forms K1459N, K1577N.
Identifiers: ClinVar variation 2066750 (VCV002066750.4), dbSNP rs1237398948, ClinGen allele CA410580360.
Genomic context (GRCh38, chr21:46,399,736, plus strand): 5'-GTTAATGCAGGAAGAAGAAATTAAACGTCTGGAGGAGATGAACATCAACATCAGGAAAAA[A>T]GTGGCCCAGCTCCAGGAAGAAGTGGAAAAACAGAAAAACATCGTGAAAGGGCTGGAACAG-3'
Protein context (NP_006022.3, residues 1567-1587): LEEMNINIRK[Lys1577Asn]VAQLQEEVEK